The following is an entry in ClinVar:

NM_000809.4(GABRA4):c.1610A>G (p.Tyr537Cys)

Gene: GABRA4 (gamma-aminobutyric acid type A receptor subunit alpha4; minus strand). Cytogenetic location: 4p12.
Variant type: single nucleotide variant.
Coding change: c.1610A>G on transcript NM_000809.4 (MANE Select); coding-DNA position 1610, A replaced by G.
Protein change: p.Tyr537Cys; replaces tyrosine 537 with cysteine.
Molecular consequence: missense variant.
Genome position (GRCh38, 1-based): chr4:46,928,280, T>C on the plus strand (A>G on the coding strand, the complement: GABRA4 is on the minus strand). VCF-style: chr4-46928280-T-C. GRCh37 (hg19) VCF-style: chr4-46930297-T-C.
Other names: c.1553A>G, p.Tyr518Cys (NM_001204266.2); c.1400A>G, p.Tyr467Cys (NM_001204267.2); short protein forms Y467C, Y518C, Y537C.
Identifiers: ClinVar variation 4532420 (VCV004532420.1).

ClinVar aggregate classification (germline): Uncertain significance (1 of 4 stars; one submission).

Submission:

GeneDx
Classification: Uncertain significance. Last evaluated: 2025-05-22. Review status: criteria provided, single submitter. Criteria: GeneDx Variant Classification Process June 2021. Collection method: clinical testing. Allele origin: germline. Affected: yes.
Comment: Not observed at significant frequency in large population cohorts (gnomAD); In silico analysis supports that this missense variant has a deleterious effect on protein structure/function; Has not been previously published as pathogenic or benign to our knowledge